The following is an entry in ClinVar:

NM_000069.3(CACNA1S):c.3439A>T (p.Asn1147Tyr)

Gene: CACNA1S (calcium voltage-gated channel subunit alpha1 S; minus strand). Cytogenetic location: 1q32.1.
Variant type: single nucleotide variant.
Coding change: c.3439A>T on transcript NM_000069.3 (MANE Select); coding-DNA position 3439, A replaced by T.
Protein change: p.Asn1147Tyr; replaces asparagine 1147 with tyrosine.
Molecular consequence: missense variant.
Genome position (GRCh38, 1-based): chr1:201,059,275, T>A on the plus strand (A>T on the coding strand, the complement: CACNA1S is on the minus strand). VCF-style: chr1-201059275-T-A. GRCh37 (hg19) VCF-style: chr1-201028403-T-A.
Other names: short protein forms N1147Y.
Identifiers: ClinVar variation 3900950 (VCV003900950.1).
Genomic context (GRCh38, chr1:201,059,275, plus strand): 5'-GGATCATCTCCAGGGTGAAGATGATAGTGAAGGCCACATTGAGGATGTCTGAGATGTGGT[T>A]CATCTGCTCCGACTGGTTGTAGTGCTGTGGAGGGGACACAGGAGCAGTGGGTCAGGGGGG-3'
Protein context (NP_000060.2, residues 1137-1157): MQHYNQSEQM[Asn1147Tyr]HISDILNVAF

ClinVar aggregate classification (germline): Uncertain significance (1 of 4 stars; one submission).

Submission:

GeneDx
Classification: Uncertain significance. Last evaluated: 2024-11-27. Review status: criteria provided, single submitter. Criteria: GeneDx Variant Classification Process June 2021. Collection method: clinical testing. Allele origin: germline. Affected: yes.
Comment: Not observed at significant frequency in large population cohorts (gnomAD); In silico analysis supports that this missense variant has a deleterious effect on protein structure/function; Has not been previously published as pathogenic or benign to our knowledge